The following is an entry in ClinVar:

ClinVar aggregate classification (germline): Benign/Likely benign. Review status: criteria provided, multiple submitters, no conflicts (2 of 4 stars). 7 submissions from 5 submitters: Benign (6); Likely benign (1). Last evaluated 2026-01-28.

Conditions:
Complement component 3 deficiency. Identifiers: Orphanet 280133, MedGen C3151071, MONDO:0013417, OMIM 613779.
Atypical hemolytic-uremic syndrome with C3 anomaly. Also called: AHUS, SUSCEPTIBILITY TO, 5. Identifiers: Orphanet 2134, MedGen C2752037, MONDO:0013043, OMIM 612925.
Age related macular degeneration 9. Identifiers: MedGen C1969651, MONDO:0012659, OMIM 611378.

Allele frequency attached by ClinVar (database versions not stated): gnomAD exomes 0.00051 and 0.00132; ExAC 0.00158; ESP Exome Variant Server 0.00323; TOPMed 0.00387; gnomAD 0.00391 and 0.00399; 1000 Genomes Project 0.00659; 1000 Genomes Project 30x 0.00671.
gnomAD v4.1: 1,344 of 1,613,682 alleles (0.083%); highest among the groups gnomAD compares: African/African-American, 1.3%; 14 homozygotes.

Submissions (7):

Labcorp Genetics (formerly Invitae), Labcorp
Classification: Benign. Last evaluated: 2026-01-28. Review status: criteria provided, single submitter. Criteria: Invitae Variant Classification Sherloc (09022015). Collection method: clinical testing. Allele origin: germline.

Genomic Medicine Center of Excellence, King Faisal Specialist Hospital and Research Centre
Classification: Likely benign. Last evaluated: 2025-08-18. Review status: criteria provided, single submitter. Criteria: ACMG Guidelines, 2015. Collection method: clinical testing. Allele origin: germline.

Fulgent Genetics
Classification: Benign for Age related macular degeneration 9; Atypical hemolytic-uremic syndrome with C3 anomaly; Complement component 3 deficiency. Last evaluated: 2021-09-06. Review status: criteria provided, single submitter. Criteria: ACMG Guidelines, 2015. Collection method: clinical testing. Allele origin: unknown.

Illumina Laboratory Services, Illumina
Classification: Benign for Atypical hemolytic-uremic syndrome with C3 anomaly. Last evaluated: 2018-01-13. Review status: criteria provided, single submitter. Criteria: ICSL Variant Classification Criteria 13 December 2019. Collection method: clinical testing. Allele origin: germline.
Comment: This variant was observed in the ICSL laboratory as part of a predisposition screen in an ostensibly healthy population. It had not been previously curated by ICSL or reported in the Human Gene Mutation Database (HGMD: prior to June 1st, 2018), and was therefore a candidate for classification through an automated scoring system. Utilizing variant allele frequency, disease prevalence and penetrance estimates, and inheritance mode, an automated score was calculated to assess if this variant is too frequent to cause the disease. Based on the score and internal cut-off values, a variant classified as benign is not then subjected to further curation. The score for this variant resulted in a classification of benign for this disease.

Illumina Laboratory Services, Illumina
Classification: Benign for Complement component 3 deficiency. Last evaluated: 2018-01-13. Review status: criteria provided, single submitter. Criteria: ICSL Variant Classification Criteria 13 December 2019. Collection method: clinical testing. Allele origin: germline.
Comment: the same text as in the submission from Illumina Laboratory Services, Illumina above.

Illumina Laboratory Services, Illumina
Classification: Benign for Age related macular degeneration 9. Last evaluated: 2018-01-13. Review status: criteria provided, single submitter. Criteria: ICSL Variant Classification Criteria 13 December 2019. Collection method: clinical testing. Allele origin: germline.
Comment: the same text as in the submission from Illumina Laboratory Services, Illumina above.

Breakthrough Genomics
Classification: Benign. Review status: criteria provided, single submitter. Criteria: ACMG Guidelines, 2015. Collection method: not provided. Allele origin: germline. Inheritance: Autosomal recessive inheritance. Affected: yes.

NM_000064.4(C3):c.1119+15G>A

Gene: C3 (complement C3; minus strand). Cytogenetic location: 19p13.3.
Variant type: single nucleotide variant.
Coding change: c.1119+15G>A on transcript NM_000064.4 (MANE Select); 15 bases into the intron after coding-DNA position 1119, G replaced by A.
Molecular consequence: intron variant.
Genome position (GRCh38, 1-based): chr19:6,712,493, C>T on the plus strand (G>A on the coding strand, the complement: C3 is on the minus strand). VCF-style: chr19-6712493-C-T. GRCh37 (hg19) VCF-style: chr19-6712504-C-T.
Other names: c.1119+15G>A (LRG_27t1).
Identifiers: ClinVar variation 330329 (VCV000330329.16), dbSNP rs114252882, ClinGen allele CA9129556.